The following is an entry in ClinVar:

ClinVar aggregate classification (germline): Uncertain significance (1 of 4 stars; one submission).

Conditions:
Wilms tumor 1 (WT1). Also called: Wilms tumor, somatic. Identifiers: Orphanet 654, MedGen CN033288, MONDO:0008679, OMIM 194070.
11p partial monosomy syndrome (WAGR). Also called: WAGR syndrome; CHROMOSOME 11p13 DELETION SYNDROME; WAGR Complex; WAGR Spectrum Disorder. Identifiers: Orphanet 893, MedGen C0206115, MONDO:0008681, OMIM 194072.
Frasier syndrome. Identifiers: Orphanet 347, MedGen C0950122, MeSH D052159, MONDO:0007635, OMIM 136680.
Drash syndrome (DDS). Also called: WILMS TUMOR AND PSEUDO- OR TRUE HERMAPHRODITISM; NEPHROPATHY, WILMS TUMOR, AND GENITAL ANOMALIES. Identifiers: Orphanet 220, MedGen C0950121, MONDO:0008682, OMIM 194080.

Allele frequency attached by ClinVar (database versions not stated): TOPMed below 0.00001.

Submission:

Labcorp Genetics (formerly Invitae), Labcorp
Classification: Uncertain significance for Wilms tumor 1; Drash syndrome; 11p partial monosomy syndrome; Frasier syndrome. Last evaluated: 2020-06-23. Review status: criteria provided, single submitter. Criteria: Invitae Variant Classification Sherloc (09022015). Collection method: clinical testing. Allele origin: germline.
Comment: In summary, the available evidence is currently insufficient to determine the role of this variant in disease. Therefore, it has been classified as a Variant of Uncertain Significance. Algorithms developed to predict the effect of missense changes on protein structure and function (SIFT, PolyPhen-2, Align-GVGD) all suggest that this variant is likely to be disruptive, but these predictions have not been confirmed by published functional studies and their clinical significance is uncertain. This variant has not been reported in the literature in individuals with WT1-related conditions. This variant is not present in population databases (ExAC no frequency). This sequence change replaces tyrosine with cysteine at codon 339 of the WT1 protein (p.Tyr339Cys). The tyrosine residue is highly conserved and there is a large physicochemical difference between tyrosine and cysteine.

NM_024426.6(WT1):c.1031A>G (p.Tyr344Cys)

Gene: WT1 (WT1 transcription factor; minus strand). Cytogenetic location: 11p13.
Variant type: single nucleotide variant.
Coding change: c.1031A>G on transcript NM_024426.6 (MANE Select); coding-DNA position 1031, A replaced by G.
Protein change: p.Tyr344Cys; replaces tyrosine 344 with cysteine.
Molecular consequence: missense variant. On other transcripts: 5 prime UTR variant (1), non-coding transcript variant (1).
Genome position (GRCh38, 1-based): chr11:32,400,030, T>C on the plus strand (A>G on the coding strand, the complement: WT1 is on the minus strand). VCF-style: chr11-32400030-T-C. GRCh37 (hg19) VCF-style: chr11-32421576-T-C.
Other names: c.980A>G, p.Tyr327Cys (NM_000378.6, NM_001407045.1, NM_001407048.1 and 1 more transcripts); c.380A>G, p.Tyr127Cys (NM_001198551.2); c.329A>G, p.Tyr110Cys (NM_001198552.2); c.-158A>G (NM_001367854.1); c.1025A>G, p.Tyr342Cys (NM_001407044.1); c.1031A>G, p.Tyr344Cys (NM_001407046.1, NM_024424.5); c.908A>G, p.Tyr303Cys (NM_001407047.1); c.857A>G, p.Tyr286Cys (NM_001407050.1); and 2 more; short protein forms Y110C, Y127C, Y327C, Y344C, Y90C, Y286C, Y322C, Y339C.
Identifiers: ClinVar variation 1017062 (VCV001017062.10), dbSNP rs1852103005, ClinGen allele CA379960519.